The following is an entry in ClinVar:

NM_017775.4(TTC19):c.599C>T (p.Ala200Val)

Gene: TTC19 (tetratricopeptide repeat domain 19; plus strand). Cytogenetic location: 17p12.
Variant type: single nucleotide variant.
Coding change: c.599C>T on transcript NM_017775.4 (MANE Select); coding-DNA position 599, C replaced by T.
Protein change: p.Ala200Val; replaces alanine 200 with valine.
Molecular consequence: missense variant.
Genome position (GRCh38, 1-based): chr17:16,006,491, C>T. VCF-style: chr17-16006491-C-T. GRCh37 (hg19) VCF-style: chr17-15909805-C-T.
Other names: c.599C>T (NM_017775.3); c.278C>T, p.Ala93Val (NM_001271420.2); c.962C>T (NM_017775.2); short protein forms A200V, A93V.
Identifiers: ClinVar variation 624111 (VCV000624111.52), dbSNP rs766044177, ClinGen allele CA8407468.

ClinVar aggregate classification (germline): Uncertain significance. Review status: criteria provided, multiple submitters, no conflicts (2 of 4 stars). 5 submissions from 5 submitters: Uncertain significance (5). Last evaluated 2025-12-04.

Conditions:
Inborn genetic diseases. Identifiers: MedGen C0950123, MeSH D030342.

Allele frequency attached by ClinVar (database versions not stated): gnomAD 0.00003 and 0.00004; gnomAD exomes 0.00004 and 0.00006; TOPMed 0.00004; ExAC 0.00005.
gnomAD v4.1: 69 of 1,612,048 alleles (0.0043%); highest among the groups gnomAD compares: Non-Finnish European, 0.0055%; no homozygotes.

Submissions (5):

Ambry Genetics
Classification: Uncertain significance for Inborn genetic diseases. Last evaluated: 2025-12-04. Review status: criteria provided, single submitter. Criteria: Ambry Variant Classification Scheme 2023. Collection method: clinical testing. Allele origin: germline.

GeneDx
Classification: Uncertain significance. Last evaluated: 2024-11-25. Review status: criteria provided, single submitter. Criteria: GeneDx Variant Classification Process June 2021. Collection method: clinical testing. Allele origin: germline. Affected: yes.
Comment: Not observed at significant frequency in large population cohorts (gnomAD); In silico analysis indicates that this missense variant does not alter protein structure/function; Has not been previously published as pathogenic or benign to our knowledge

Blueprint Genetics
Classification: Uncertain significance. Last evaluated: 2024-06-17. Review status: criteria provided, single submitter. Criteria: ACMG Guidelines, 2015. Collection method: clinical testing. Allele origin: germline.

Labcorp Genetics (formerly Invitae), Labcorp
Classification: Uncertain significance. Last evaluated: 2022-06-08. Review status: criteria provided, single submitter. Criteria: Invitae Variant Classification Sherloc (09022015). Collection method: clinical testing. Allele origin: germline.
Comment: Algorithms developed to predict the effect of missense changes on protein structure and function are either unavailable or do not agree on the potential impact of this missense change (SIFT: "Tolerated"; PolyPhen-2: "Possibly Damaging"; Align-GVGD: "Class C0"). In summary, the available evidence is currently insufficient to determine the role of this variant in disease. Therefore, it has been classified as a Variant of Uncertain Significance. ClinVar contains an entry for this variant (Variation ID: 624111). This variant has not been reported in the literature in individuals affected with TTC19-related conditions. This variant is present in population databases (rs766044177, gnomAD 0.01%). This sequence change replaces alanine, which is neutral and non-polar, with valine, which is neutral and non-polar, at codon 200 of the TTC19 protein (p.Ala200Val).

CeGaT Center for Human Genetics Tuebingen
Classification: Uncertain significance. Last evaluated: 2018-08-01. Review status: criteria provided, single submitter. Criteria: CeGaT Center For Human Genetics Tuebingen Variant Classification Criteria Version 2. Collection method: clinical testing. Allele origin: germline. Affected: yes. Observed: 3 variant alleles.